The following is an entry in ClinVar:

NM_144687.4(NLRP12):c.536C>T (p.Thr179Ile)

Gene: NLRP12 (NLR family pyrin domain containing 12; minus strand). Cytogenetic location: 19q13.42.
Variant type: single nucleotide variant.
Coding change: c.536C>T on transcript NM_144687.4 (MANE Select); coding-DNA position 536, C replaced by T.
Protein change: p.Thr179Ile; replaces threonine 179 with isoleucine.
Molecular consequence: missense variant.
Genome position (GRCh38, 1-based): chr19:53,811,123, G>A on the plus strand (C>T on the coding strand, the complement: NLRP12 is on the minus strand). VCF-style: chr19-53811123-G-A. GRCh37 (hg19) VCF-style: chr19-54314377-G-A.
Other names: p.Thr179Ile; c.536C>T, p.Thr179Ile (NM_001277126.2, NM_001277129.1); c.536C>T (NM_144687.2); short protein forms T179I.
Identifiers: ClinVar variation 469095 (VCV000469095.17), dbSNP rs145156267, ClinGen allele CA9639684.

ClinVar aggregate classification (germline): Conflicting classifications of pathogenicity. Review status: criteria provided, conflicting classifications (1 of 4 stars). 6 submissions from 6 submitters: Uncertain significance (5); Likely benign (1). Last evaluated 2026-01-06.

Conditions:
Autoinflammatory syndrome. Identifiers: Orphanet 93665, MedGen C3890737, MONDO:0019751.
Familial cold autoinflammatory syndrome 2 (FCAS2). Identifiers: Orphanet 247868, MedGen C2673198, MONDO:0012724, OMIM 611762.

Allele frequency attached by ClinVar (database versions not stated): ExAC 0.00009; gnomAD exomes 0.00010 and 0.00024; gnomAD 0.00011 and 0.00014; TOPMed 0.00014; ESP Exome Variant Server 0.00023.
gnomAD v4.1: 388 of 1,613,960 alleles (0.024%); highest among the groups gnomAD compares: Non-Finnish European, 0.031%; no homozygotes.

Submissions (6):

Labcorp Genetics (formerly Invitae), Labcorp
Classification: Uncertain significance for Familial cold autoinflammatory syndrome 2. Last evaluated: 2026-01-06. Review status: criteria provided, single submitter. Criteria: Invitae Variant Classification Sherloc (09022015). Collection method: clinical testing. Allele origin: germline.
Comment: This sequence change replaces threonine, which is neutral and polar, with isoleucine, which is neutral and non-polar, at codon 179 of the NLRP12 protein (p.Thr179Ile). This variant is present in population databases (rs145156267, gnomAD 0.02%). This missense change has been observed in individual(s) with an inflammatory syndrome (PMID: 30788684). ClinVar contains an entry for this variant (Variation ID: 469095). An algorithm developed to predict the effect of missense changes on protein structure and function outputs the following: PolyPhen-2: "Benign". The isoleucine amino acid residue is found in multiple mammalian species, which suggests that this missense change does not adversely affect protein function. In summary, the available evidence is currently insufficient to determine the role of this variant in disease. Therefore, it has been classified as a Variant of Uncertain Significance.

Blueprint Genetics
Classification: Likely benign. Last evaluated: 2024-10-28. Review status: criteria provided, single submitter. Criteria: ACMG Guidelines, 2015. Collection method: clinical testing. Allele origin: germline.

Mayo Clinic Laboratories, Mayo Clinic
Classification: Uncertain significance. Last evaluated: 2024-03-12. Review status: criteria provided, single submitter. Criteria: ACMG Guidelines, 2015. Collection method: clinical testing. Allele origin: germline. Observed: 1 variant allele.
Comment: BP4

Fulgent Genetics
Classification: Uncertain significance for Familial cold autoinflammatory syndrome 2. Last evaluated: 2022-04-08. Review status: criteria provided, single submitter. Criteria: ACMG Guidelines, 2015. Collection method: clinical testing. Allele origin: unknown.

Genome Diagnostics Laboratory, The Hospital for Sick Children
Classification: Uncertain significance for Autoinflammatory syndrome. Last evaluated: 2021-01-19. Review status: criteria provided, single submitter. Criteria: ACMG Guidelines, 2015. Collection method: clinical testing. Allele origin: germline. Affected: yes.

GeneDx
Classification: Uncertain significance. Last evaluated: 2019-11-15. Review status: criteria provided, single submitter. Criteria: GeneDx Variant Classification Process June 2021. Collection method: clinical testing. Allele origin: germline. Affected: yes.
Comment: In silico analysis, which includes protein predictors and evolutionary conservation, supports that this variant does not alter protein structure/function; This variant is associated with the following publications: (PMID: 30788684)

Literature cited by the submitters: PubMed 30788684 (cited by Labcorp Genetics (formerly Invitae), Labcorp and Mayo Clinic Laboratories, Mayo Clinic).